The following is an entry in ClinVar:

ClinVar aggregate classification (germline): Uncertain significance (1 of 4 stars; one submission).

Conditions:
Autosomal recessive limb-girdle muscular dystrophy type R18 (LGMDR18). Also called: Limb-girdle muscular dystrophy, type 2S; MUSCULAR DYSTROPHY, LIMB-GIRDLE, AUTOSOMAL RECESSIVE 18; Autosomal recessive limb-girdle muscular dystrophy type 2S. Identifiers: Orphanet 369840, MedGen C4517996, MONDO:0014144, OMIM 615356.

Allele frequency attached by ClinVar (database versions not stated): 1000 Genomes Project 30x 0.00016; ExAC 0.00002; gnomAD 0.00001; gnomAD exomes 0.00001 and 0.00002; TOPMed 0.00001; 1000 Genomes Project 0.00020.
gnomAD v4.1: 12 of 1,553,400 alleles (0.00077%); highest among the groups gnomAD compares: South Asian, 0.0072%; no homozygotes.

Submission:

Labcorp Genetics (formerly Invitae), Labcorp
Classification: Uncertain significance for Autosomal recessive limb-girdle muscular dystrophy type R18. Last evaluated: 2022-07-26. Review status: criteria provided, single submitter. Criteria: Invitae Variant Classification Sherloc (09022015). Collection method: clinical testing. Allele origin: germline.
Comment: This sequence change falls in intron 6 of the TRAPPC11 gene. It does not directly change the encoded amino acid sequence of the TRAPPC11 protein. It affects a nucleotide within the consensus splice site. This variant is present in population databases (rs559118514, gnomAD 0.007%). This variant has not been reported in the literature in individuals affected with TRAPPC11-related conditions. ClinVar contains an entry for this variant (Variation ID: 541340). Variants that disrupt the consensus splice site are a relatively common cause of aberrant splicing (PMID: 17576681, 9536098). Algorithms developed to predict the effect of sequence changes on RNA splicing suggest that this variant is not likely to affect RNA splicing. In summary, the available evidence is currently insufficient to determine the role of this variant in disease. Therefore, it has been classified as a Variant of Uncertain Significance.

Literature cited by the submitters: PubMed 17576681; PubMed 9536098.

NM_021942.6(TRAPPC11):c.660+4C>T

Gene: TRAPPC11 (trafficking protein particle complex subunit 11; plus strand). Cytogenetic location: 4q35.1.
Variant type: single nucleotide variant.
Coding change: c.660+4C>T on transcript NM_021942.6 (MANE Select); 4 bases into the intron after coding-DNA position 660, C replaced by T.
Molecular consequence: intron variant.
Genome position (GRCh38, 1-based): chr4:183,674,816, C>T. VCF-style: chr4-183674816-C-T. GRCh37 (hg19) VCF-style: chr4-184595969-C-T.
Other names: c.660+4C>T (NM_199053.3).
Identifiers: ClinVar variation 541340 (VCV000541340.9), dbSNP rs559118514, ClinGen allele CA3151644.